The following is an entry in ClinVar:

ClinVar aggregate classification (germline): Uncertain significance. Review status: criteria provided, multiple submitters, no conflicts (2 of 4 stars). 2 submissions from 2 submitters: Uncertain significance (2). Last evaluated 2025-10-07.

Conditions:
Inborn genetic diseases. Identifiers: MedGen C0950123, MeSH D030342.

Submissions (2):

Ambry Genetics
Classification: Uncertain significance for Inborn genetic diseases. Last evaluated: 2025-10-07. Review status: criteria provided, single submitter. Criteria: Ambry Variant Classification Scheme 2023. Collection method: clinical testing. Allele origin: germline.

Laboratory for Molecular Medicine, Mass General Brigham Personalized Medicine
Classification: Uncertain significance. Last evaluated: 2019-11-13. Review status: criteria provided, single submitter. Criteria: LMM Criteria. Collection method: clinical testing. Allele origin: germline. Observed: 1 variant allele.
Comment: The p.Ile600Val variant in TMC1 has not been previously reported in individuals with hearing loss and was absent from large population studies. Computational prediction tools and conservation analysis suggest that this variant may not impact the protein, though this information is not predictive enough to rule out pathogenicity. In summary, the clinical significance of this variant is uncertain. ACMG/AMP Criteria applied: PM2, BP4.

NM_138691.3(TMC1):c.1798A>G (p.Ile600Val)

Gene: TMC1 (transmembrane channel like 1; plus strand). Cytogenetic location: 9q21.13.
Variant type: single nucleotide variant.
Coding change: c.1798A>G on transcript NM_138691.3 (MANE Select); coding-DNA position 1798, A replaced by G.
Protein change: p.Ile600Val; replaces isoleucine 600 with valine.
Molecular consequence: missense variant.
Genome position (GRCh38, 1-based): chr9:72,820,876, A>G. VCF-style: chr9-72820876-A-G. GRCh37 (hg19) VCF-style: chr9-75435792-A-G.
Other names: c.1798A>G (NM_138691.2); short protein forms I600V.
Identifiers: ClinVar variation 930102 (VCV000930102.5), dbSNP rs202144745, ClinGen allele CA193296962.